The following is an entry in ClinVar:

NM_001077.4(UGT2B17):c.1363G>T (p.Val455Leu)

Gene: UGT2B17 (UDP glucuronosyltransferase family 2 member B17; minus strand). Cytogenetic location: 4q13.2.
Variant type: single nucleotide variant.
Coding change: c.1363G>T on transcript NM_001077.4 (MANE Select); coding-DNA position 1363, G replaced by T.
Protein change: p.Val455Leu; replaces valine 455 with leucine.
Molecular consequence: missense variant.
Genome position (GRCh38, 1-based): chr4:68,537,855, C>A on the plus strand (G>T on the coding strand, the complement: UGT2B17 is on the minus strand). VCF-style: chr4-68537855-C-A. GRCh37 (hg19) VCF-style: chr4-69403573-C-A.
Other names: short protein forms V455L.
Identifiers: ClinVar variation 2264820 (VCV002264820.24), dbSNP rs772905355, ClinGen allele CA357155056.
Genomic context (GRCh38, chr4:68,537,855, plus strand): 5'-TGGCTCCTTTATGGCGCATGACAAACTCAATCCAGAAGACTGCTCGATCCAGGGGCTTCA[C>A]CGGTTGATCATGATGAATTCTTGATAATTTCATGATATTCTCTTTATAGCTGAAGGATAA-3'
Protein context (NP_001068.1, residues 445-465): KLSRIHHDQP[Val455Leu]KPLDRAVFWI

ClinVar aggregate classification (germline): Conflicting classifications of pathogenicity. Review status: criteria provided, conflicting classifications (1 of 4 stars). 2 submissions from 2 submitters: Uncertain significance (1); Likely benign (1). Last evaluated 2024-02-01.

gnomAD v4.1: 2 of 1,376,026 alleles (0.00015%); highest among the groups gnomAD compares: Non-Finnish European, 0.00019%; 1 homozygote.

Submissions (2):

CeGaT Center for Human Genetics Tuebingen
Classification: Likely benign. Last evaluated: 2024-02-01. Review status: criteria provided, single submitter. Criteria: CeGaT Center For Human Genetics Tuebingen Variant Classification Criteria Version 2. Collection method: clinical testing. Allele origin: germline. Affected: yes. Observed: 1 variant allele.
Comment: UGT2B17: BP4, BS2

Ambry Genetics
Classification: Uncertain significance. Last evaluated: 2021-12-06. Review status: criteria provided, single submitter. Criteria: Ambry Variant Classification Scheme 2023. Collection method: clinical testing. Allele origin: germline.